The following is an entry in ClinVar:

ClinVar aggregate classification (germline): Uncertain significance (1 of 4 stars; one submission).

Submission:

Labcorp Genetics (formerly Invitae), Labcorp
Classification: Uncertain significance. Last evaluated: 2020-10-30. Review status: criteria provided, single submitter. Criteria: Invitae Variant Classification Sherloc (09022015). Collection method: clinical testing. Allele origin: germline.
Comment: In summary, the available evidence is currently insufficient to determine the role of this variant in disease. Therefore, it has been classified as a Variant of Uncertain Significance. Algorithms developed to predict the effect of missense changes on protein structure and function are either unavailable or do not agree on the potential impact of this missense change (SIFT: "Tolerated"; PolyPhen-2: "Probably Damaging"; Align-GVGD: "Class C0"). This variant has not been reported in the literature in individuals with PLEKHM2-related conditions. This variant is not present in population databases (ExAC no frequency). This sequence change replaces glutamic acid with lysine at codon 47 of the PLEKHM2 protein (p.Glu47Lys). The glutamic acid residue is highly conserved and there is a small physicochemical difference between glutamic acid and lysine.

NM_015164.4(PLEKHM2):c.139G>A (p.Glu47Lys)

Gene: PLEKHM2 (pleckstrin homology and RUN domain containing M2; plus strand). Cytogenetic location: 1p36.21.
Variant type: single nucleotide variant.
Coding change: c.139G>A on transcript NM_015164.4 (MANE Select); coding-DNA position 139, G replaced by A.
Protein change: p.Glu47Lys; replaces glutamic acid 47 with lysine.
Molecular consequence: missense variant.
Genome position (GRCh38, 1-based): chr1:15,716,315, G>A. VCF-style: chr1-15716315-G-A. GRCh37 (hg19) VCF-style: chr1-16042810-G-A.
Other names: short protein forms E47K.
Identifiers: ClinVar variation 1055952 (VCV001055952.9), dbSNP rs2148357243, ClinGen allele CA338577480.
Genomic context (GRCh38, chr1:15,716,315, plus strand): 5'-GCATGTGAGGATGAGATCCCTGCCATCCGGAACCATGACAAGGTCCTACAGCGTCTGTGT[G>A]AGCACCTGGACCACGCCCTGCTGTACGGGTAAGGTGGAGGAAGTTTCCAAAGATGACGGA-3'
Protein context (NP_055979.2, residues 37-57): NHDKVLQRLC[Glu47Lys]HLDHALLYGL